The following is an entry in ClinVar:

NM_001114753.3(ENG):c.1242G>C (p.Met414Ile)

Genes: ENG (endoglin; minus strand), LOC102723566 (uncharacterized LOC102723566; plus strand). Cytogenetic location: 9q34.11.
Variant type: single nucleotide variant.
Coding change: c.1242G>C on transcript NM_001114753.3 (MANE Select); coding-DNA position 1242, G replaced by C.
Protein change: p.Met414Ile; replaces methionine 414 with isoleucine.
Molecular consequence: missense variant.
Genome position (GRCh38, 1-based): chr9:127,819,930, C>G on the plus strand (G>C on the coding strand, the complement: ENG is on the minus strand). VCF-style: chr9-127819930-C-G. GRCh37 (hg19) VCF-style: chr9-130582209-C-G.
Other names: c.1242G>C, p.Met414Ile (NM_000118.4); c.696G>C, p.Met232Ile (NM_001278138.2); short protein forms M414I, M232I.
Identifiers: ClinVar variation 2845766 (VCV002845766.3), dbSNP rs2539064087, ClinGen allele CA374978375.

ClinVar aggregate classification (germline): Uncertain significance (1 of 4 stars; one submission).

Conditions:
Hereditary hemorrhagic telangiectasia (HHT). Also called: ORW DISEASE; Osler Weber Rendu syndrome; OSLER-RENDU-WEBER DISEASE; Osler hemorrhagic telangiectasia syndrome. Identifiers: Orphanet 774, MedGen C0039445, MONDO:0019180. Disease mechanism: loss of function.

Submission:

Labcorp Genetics (formerly Invitae), Labcorp
Classification: Uncertain significance for Hereditary hemorrhagic telangiectasia. Last evaluated: 2023-03-14. Review status: criteria provided, single submitter. Criteria: Invitae Variant Classification Sherloc (09022015). Collection method: clinical testing. Allele origin: germline.
Comment: In summary, the available evidence is currently insufficient to determine the role of this variant in disease. Therefore, it has been classified as a Variant of Uncertain Significance. This variant disrupts the p.Met414 amino acid residue in ENG. Other variant(s) that disrupt this residue have been determined to be pathogenic (PMID: 20414677; Invitae). This suggests that this residue is clinically significant, and that variants that disrupt this residue are likely to be disease-causing. Advanced modeling of protein sequence and biophysical properties (such as structural, functional, and spatial information, amino acid conservation, physicochemical variation, residue mobility, and thermodynamic stability) has been performed at Invitae for this missense variant, however the output from this modeling did not meet the statistical confidence thresholds required to predict the impact of this variant on ENG protein function. This missense change has been observed in individual(s) with clinical features of hereditary hemorrhagic telangiectasia (Invitae). This variant is not present in population databases (gnomAD no frequency). This sequence change replaces methionine, which is neutral and non-polar, with isoleucine, which is neutral and non-polar, at codon 414 of the ENG protein (p.Met414Ile).

Literature cited by the submitters: PubMed 20414677.